The following is an entry in ClinVar:

NM_000059.4(BRCA2):c.8415ATC[1] (p.Ser2807del)

Gene: BRCA2 (BRCA2 DNA repair associated; plus strand). Cytogenetic location: 13q13.1.
Variant type: Microsatellite.
Coding change: c.8415ATC[1] on transcript NM_000059.4 (MANE Select); one copy of the 3-base unit ATC starting at c.8415; the reference has two copies in a row; one copy, 3 bases deleted; also written c.8418_8420del.
Protein change: p.Ser2807del; deletes serine 2807.
Molecular consequence: inframe deletion.
Genome position (GRCh38, 1-based): chr13:32,370,488-32,370,490, ATC deleted; deleting any 3 consecutive bases within chr13:32,370,485-32,370,490 gives the same sequence; the position shown is the placement nearest the transcript's 3' end. VCF-style (leftmost placement, unchanged base first): chr13-32370484-TATC-T. GRCh37 (hg19) VCF-style: chr13-32944621-TATC-T.
Other names: NC_000013.10:g.32944625_32944627del; c.8418_8420delATC (NM_000059.3); c.8418_8420del (NM_000059.4); short protein forms S2807del.
Identifiers: ClinVar variation 409445 (VCV000409445.25), dbSNP rs1060502398, ClinGen allele CA16614010.
Genomic context (GRCh38, chr13:32,370,484, plus strand): 5'-CTGCTCGCTGGTATACCAAACTTGGATTCTTTCCTGACCCTAGACCTTTTCCTCTGCCCT[TATC>T]ATCGCTTTTCAGTGATGGAGGAAATGTTGGTTGTGTTGATGTAATTATTCAAAGAGCATA-3'

ClinVar aggregate classification (germline): Uncertain significance. Review status: criteria provided, multiple submitters, no conflicts (2 of 4 stars). 5 submissions from 5 submitters: Uncertain significance (4). 1 of the submissions does not count toward it. Last evaluated 2024-07-16.

Conditions:
Hereditary cancer-predisposing syndrome. Also called: Hereditary neoplastic syndrome; Neoplastic Syndromes, Hereditary; Tumor predisposition; Hereditary Cancer Syndrome. Identifiers: Orphanet 140162, MedGen C0027672, MeSH D009386, MONDO:0015356.
Hereditary breast ovarian cancer syndrome. Also called: Hereditary breast and ovarian cancer syndrome; Hereditary breast and/or ovarian cancer syndrome; BRCA1- and BRCA2-Associated Hereditary Breast and Ovarian Cancer; Hereditary breast and ovarian cancer syndrome (HBOC); Hereditary breast and ovarian cancer; Breast and ovarian cancer. Identifiers: Orphanet 145, MedGen C0677776, MeSH D061325, MONDO:0003582. Disease mechanism: loss of function.
Familial cancer of breast. Also called: Hereditary breast cancer; hereditary breast carcinoma; BREAST CANCER, FAMILIAL. Identifiers: Orphanet 227535, MedGen C0346153, MONDO:0016419, OMIM 114480. Disease mechanism: loss of function.
Breast-ovarian cancer, familial, susceptibility to, 2 (BROVCA2). Also called: BRCA2 Hereditary Breast and Ovarian Cancer. Identifiers: Orphanet 145, MedGen C2675520, MONDO:0012933, OMIM 612555. Disease mechanism: loss of function.

Submissions (6):

Labcorp Genetics (formerly Invitae), Labcorp
Classification: Uncertain significance for Hereditary breast ovarian cancer syndrome. Last evaluated: 2024-07-16. Review status: criteria provided, single submitter. Criteria: Invitae Variant Classification Sherloc (09022015). Collection method: clinical testing. Allele origin: germline.
Comment: This variant, c.8418_8420del, results in the deletion of 1 amino acid(s) of the BRCA2 protein (p.Ser2807del), but otherwise preserves the integrity of the reading frame. This variant is not present in population databases (gnomAD no frequency). This variant has been observed in individual(s) with breast and/or ovarian cancer (PMID: 35918668). ClinVar contains an entry for this variant (Variation ID: 409445). Experimental studies and prediction algorithms are not available or were not evaluated, and the functional significance of this variant is currently unknown. In summary, the available evidence is currently insufficient to determine the role of this variant in disease. Therefore, it has been classified as a Variant of Uncertain Significance.

Ambry Genetics
Classification: Uncertain significance for Hereditary cancer-predisposing syndrome. Last evaluated: 2024-06-12. Review status: criteria provided, single submitter. Criteria: Ambry Variant Classification Scheme 2023. Collection method: clinical testing. Allele origin: germline.
Comment: The c.8418_8420delATC variant (also known as p.S2807del) is located in coding exon 18 of the BRCA2 gene. This variant results from an in-frame ATC deletion at nucleotide positions 8418 to 8420. This results in the in-frame deletion of a serine at codon 2807. This amino acid position is well conserved in available vertebrate species. In addition, the in silico prediction for this alteration is inconclusive (Choi Y et al. PLoS ONE. 2012; 7(10):e46688). Based on the available evidence, the clinical significance of this variant remains unclear.

GeneDx
Classification: Uncertain significance. Last evaluated: 2023-08-04. Review status: criteria provided, single submitter. Criteria: GeneDx Variant Classification Process June 2021. Collection method: clinical testing. Allele origin: germline. Affected: yes.
Comment: In-frame deletion of 1 amino acid in a non-repeat region; In silico analysis supports a deleterious effect on protein structure/function; Located in the critical DNA binding domain (Yang et al., 2002); Not observed at significant frequency in large population cohorts (gnomAD); Observed in a patient with breast or ovarian cancer (Zhang et al., 2022); Also known as 8646_8648del; This variant is associated with the following publications: (PMID: 35918668, 12228710)

Centre for Mendelian Genomics, University Medical Centre Ljubljana
Classification: Uncertain significance for Breast-ovarian cancer, familial, susceptibility to, 2. Last evaluated: 2019-03-07. Review status: criteria provided, single submitter. Criteria: ACMG Guidelines, 2015. Collection method: clinical testing. Allele origin: unknown. Affected: yes.
Comment: This variant was classified as: Uncertain significance. The available evidence on this variant's pathogenicity is insufficient or conflicting. The following ACMG criteria were applied in classifying this variant: PM2,PP4.

Center for Precision Medicine, Meizhou People's Hospital
Classification: Uncertain significance for Familial cancer of breast. Review status: no assertion criteria provided. Collection method: literature only. Allele origin: germline. Affected: yes. Not counted in ClinVar's aggregate classification.

Dr. Peter K. Rogan Lab, Western University
No classification provided (evidence only). Condition: Familial cancer of breast. Review status: no classification provided. Collection method: in vitro. Allele origin: not applicable. Functional consequence: retained intron. Not counted in ClinVar's aggregate classification.

Literature cited by the submitters: PubMed 35918668 (cited by Labcorp Genetics (formerly Invitae), Labcorp).